The following is an entry in ClinVar:

NM_001382567.1(STIM1):c.1271G>A (p.Arg424Gln)

Gene: STIM1 (stromal interaction molecule 1; plus strand). Cytogenetic location: 11p15.4.
Variant type: single nucleotide variant.
Coding change: c.1271G>A on transcript NM_001382567.1 (MANE Select); coding-DNA position 1271, G replaced by A.
Protein change: p.Arg424Gln; replaces arginine 424 with glutamine.
Molecular consequence: missense variant. On other transcripts: non-coding transcript variant (2).
Genome position (GRCh38, 1-based): chr11:4,083,295, G>A. VCF-style: chr11-4083295-G-A. GRCh37 (hg19) VCF-style: chr11-4104525-G-A.
Other names: c.1271G>A, p.Arg424Gln (NM_001277961.3, NM_001277962.2, NM_003156.4); c.1049G>A, p.Arg350Gln (NM_001382566.1, NM_001382573.1, NM_001382575.1 and 4 more transcripts); c.1292G>A, p.Arg431Gln (NM_001382568.1); c.1136G>A, p.Arg379Gln (NM_001382569.1); c.1043G>A, p.Arg348Gln (NM_001382570.1); c.791G>A, p.Arg264Gln (NM_001382571.1); c.782G>A, p.Arg261Gln (NM_001382580.1, NM_001382581.1); short protein forms R261Q, R264Q, R348Q, R350Q, R379Q, R424Q, R431Q.
Identifiers: ClinVar variation 1717527 (VCV001717527.6), dbSNP rs1408566143, ClinGen allele CA379194095.
Genomic context (GRCh38, chr11:4,083,295, plus strand): 5'-CCTGCAGTTCTCTTTCCTCTGTCTTCAGGCAAGCACTGAGCGAGGTGACAGCAGCATTGC[G>A]GGAGCGCCTGCACCGCTGGCAACAGATCGAGATCCTCTGTGGCTTCCAGATTGTCAACAA-3'
Protein context (NP_001369496.1, residues 414-434): QALSEVTAAL[Arg424Gln]ERLHRWQQIE

ClinVar aggregate classification (germline): Uncertain significance (1 of 4 stars; one submission).

Conditions:
Combined immunodeficiency due to STIM1 deficiency. Also called: IMMUNODEFICIENCY 10; STIM1 DEFICIENCY. Identifiers: Orphanet 169090, Orphanet 317430, MedGen C2748557, MONDO:0013008, OMIM 612783.
Myopathy with tubular aggregates (TAM). Also called: Tubular Aggregate Myopathy. Identifiers: Orphanet 2593, MedGen C0410207, MONDO:0008051.
Stormorken syndrome (STRMK). Also called: THROMBOCYTOPATHY, ASPLENIA, AND MIOSIS. Identifiers: Orphanet 3204, MedGen C1861451, MONDO:0008497, OMIM 185070.

gnomAD v4.1: 1 of 1,614,190 alleles (0.000062%); highest among the groups gnomAD compares: Non-Finnish European, 0.000085%; no homozygotes.

Submission:

Labcorp Genetics (formerly Invitae), Labcorp
Classification: Uncertain significance for Myopathy with tubular aggregates; Combined immunodeficiency due to STIM1 deficiency; Stormorken syndrome. Last evaluated: 2024-02-24. Review status: criteria provided, single submitter. Criteria: Invitae Variant Classification Sherloc (09022015). Collection method: clinical testing. Allele origin: germline.
Comment: This sequence change replaces arginine, which is basic and polar, with glutamine, which is neutral and polar, at codon 424 of the STIM1 protein (p.Arg424Gln). This variant is not present in population databases (gnomAD no frequency). This variant has not been reported in the literature in individuals affected with STIM1-related conditions. ClinVar contains an entry for this variant (Variation ID: 1717527). Advanced modeling of protein sequence and biophysical properties (such as structural, functional, and spatial information, amino acid conservation, physicochemical variation, residue mobility, and thermodynamic stability) has been performed at Invitae for this missense variant, however the output from this modeling did not meet the statistical confidence thresholds required to predict the impact of this variant on STIM1 protein function. In summary, the available evidence is currently insufficient to determine the role of this variant in disease. Therefore, it has been classified as a Variant of Uncertain Significance.